The following is an entry in ClinVar:

NM_002506.3(NGF):c.-13+14G>A

Genes: NGF (nerve growth factor; minus strand), NGF-AS1 (NGF antisense RNA 1; plus strand). Cytogenetic location: 1p13.2.
Variant type: single nucleotide variant.
Coding change: c.-13+14G>A on transcript NM_002506.3 (MANE Select); 14 bases into the intron after 13 bases upstream of the start codon, G replaced by A.
Molecular consequence: intron variant.
Genome position (GRCh38, 1-based): chr1:115,293,613, C>T on the plus strand (G>A on the coding strand, the complement: NGF is on the minus strand). VCF-style: chr1-115293613-C-T. GRCh37 (hg19) VCF-style: chr1-115836234-C-T.
Identifiers: ClinVar variation 291995 (VCV000291995.5), dbSNP rs553442923, ClinGen allele CA10607528.

ClinVar aggregate classification (germline): Conflicting classifications of pathogenicity. Review status: criteria provided, conflicting classifications (1 of 4 stars). 2 submissions from 2 submitters: Uncertain significance (1); Likely benign (1). Last evaluated 2018-01-13.

Conditions:
Congenital sensory neuropathy with selective loss of small myelinated fibers (HSAN5). Also called: HSAN Type V. Identifiers: Orphanet 64752, MedGen C0020075, MONDO:0012092, OMIM 608654.

Allele frequency attached by ClinVar (database versions not stated): 1000 Genomes Project 30x 0.00016; gnomAD 0.00019 and 0.00022; 1000 Genomes Project 0.00020; TOPMed 0.00022.

Submissions (2):

Illumina Laboratory Services, Illumina
Classification: Uncertain significance for Congenital sensory neuropathy with selective loss of small myelinated fibers. Last evaluated: 2018-01-13. Review status: criteria provided, single submitter. Criteria: ICSL Variant Classification Criteria 13 December 2019. Collection method: clinical testing. Allele origin: germline.

GeneDx
Classification: Likely benign. Last evaluated: 2015-11-12. Review status: criteria provided, single submitter. Criteria: GeneDx Variant Classification (06012015). Collection method: clinical testing. Allele origin: germline. Affected: yes.
Comment: This variant is considered likely benign or benign based on one or more of the following criteria: it is a conservative change, it occurs at a poorly conserved position in the protein, it is predicted to be benign by multiple in silico algorithms, and/or has population frequency not consistent with disease.